The following is an entry in ClinVar:

NM_001909.5(CTSD):c.1076C>T (p.Ser359Leu)

Gene: CTSD (cathepsin D; minus strand). Cytogenetic location: 11p15.5.
Variant type: single nucleotide variant.
Coding change: c.1076C>T on transcript NM_001909.5 (MANE Select); coding-DNA position 1076, C replaced by T.
Protein change: p.Ser359Leu; replaces serine 359 with leucine.
Molecular consequence: missense variant.
Genome position (GRCh38, 1-based): chr11:1,753,666, G>A on the plus strand (C>T on the coding strand, the complement: CTSD is on the minus strand). VCF-style: chr11-1753666-G-A. GRCh37 (hg19) VCF-style: chr11-1774896-G-A.
Other names: short protein forms S359L.
Identifiers: ClinVar variation 1056900 (VCV001056900.6), dbSNP rs545364302, ClinGen allele CA5813899.

ClinVar aggregate classification (germline): Uncertain significance (1 of 4 stars; one submission).

Conditions:
Neuronal ceroid lipofuscinosis. Also called: Neuronal Ceroid Lipofuscinoses. Identifiers: Orphanet 216, Orphanet 79263, MedGen C0027877, MONDO:0016295. Disease mechanism: loss of function.

Allele frequency attached by ClinVar (database versions not stated): gnomAD exomes below 0.00001 and 0.00001; gnomAD 0.00002; TOPMed 0.00003.
gnomAD v4.1: 6 of 1,612,612 alleles (0.00037%); highest among the groups gnomAD compares: African/African-American, 0.004%; no homozygotes.

Submission:

Labcorp Genetics (formerly Invitae), Labcorp
Classification: Uncertain significance for Neuronal ceroid lipofuscinosis. Last evaluated: 2022-07-26. Review status: criteria provided, single submitter. Criteria: Invitae Variant Classification Sherloc (09022015). Collection method: clinical testing. Allele origin: germline.
Comment: ClinVar contains an entry for this variant (Variation ID: 1056900). Algorithms developed to predict the effect of missense changes on protein structure and function are either unavailable or do not agree on the potential impact of this missense change (SIFT: "Deleterious"; PolyPhen-2: "Benign"; Align-GVGD: "Class C65"). In summary, the available evidence is currently insufficient to determine the role of this variant in disease. Therefore, it has been classified as a Variant of Uncertain Significance. This variant has not been reported in the literature in individuals affected with CTSD-related conditions. This sequence change replaces serine, which is neutral and polar, with leucine, which is neutral and non-polar, at codon 359 of the CTSD protein (p.Ser359Leu). This variant is present in population databases (rs545364302, gnomAD 0.007%).